The following is an entry in ClinVar:

ClinVar aggregate classification (germline): Benign/Likely benign. Review status: criteria provided, multiple submitters, no conflicts (2 of 4 stars). 6 submissions from 6 submitters: Benign (1); Likely benign (5). Last evaluated 2025-07-01.

Conditions:
Catecholaminergic polymorphic ventricular tachycardia (CVPT). Also called: Catecholamine-induced polymorphic ventricular tachycardia. Identifiers: Orphanet 3286, MedGen C5574922, MONDO:0017990.
Cardiomyopathy (CMYO). Also called: Cardiomyopathies. Identifiers: Orphanet 167848, MedGen C0878544, MONDO:0004994, HP:0001638. Inheritance: Various modes of inheritance.
Cardiovascular phenotype. Identifiers: MedGen CN230736.
Catecholaminergic polymorphic ventricular tachycardia 1. Also called: RYR2-Related Catecholaminergic Polymorphic Ventricular Tachycardia; VENTRICULAR TACHYCARDIA, STRESS-INDUCED POLYMORPHIC 1; VENTRICULAR TACHYCARDIA, CATECHOLAMINERGIC POLYMORPHIC, 1, WITH OR WITHOUT ATRIAL DYSFUNCTION AND/OR DILATED CARDIOMYOPATHY. Identifiers: Orphanet 3286, MedGen C1631597, MONDO:0011484, OMIM 604772.

Allele frequency attached by ClinVar (database versions not stated): TOPMed below 0.00001; gnomAD exomes 0.00001 and 0.00002; ExAC 0.00002.
gnomAD v4.1: 12 of 1,613,760 alleles (0.00074%); highest among the groups gnomAD compares: East Asian, 0.0089%; no homozygotes.

Submissions (6):

Labcorp Genetics (formerly Invitae), Labcorp
Classification: Likely benign for Catecholaminergic polymorphic ventricular tachycardia 1. Last evaluated: 2025-07-01. Review status: criteria provided, single submitter. Criteria: Invitae Variant Classification Sherloc (09022015). Collection method: clinical testing. Allele origin: germline.

All of Us Research Program, National Institutes of Health
Classification: Likely benign for Catecholaminergic polymorphic ventricular tachycardia. Last evaluated: 2023-11-30. Review status: criteria provided, single submitter. Criteria: ACMG Guidelines, 2015. Collection method: clinical testing. Allele origin: germline. Inheritance: Autosomal dominant inheritance. Observed: 1 variant allele, 1 heterozygote.
Comment: This study involves interpretation of variants in research participants for the purpose of population health screening. Participant phenotype was not available at the time of variant classification. Additional details can be found in publication PMID: 35346344, PMCID: PMC8962531

Ambry Genetics
Classification: Likely benign for Cardiovascular phenotype. Last evaluated: 2022-11-02. Review status: criteria provided, single submitter. Criteria: Ambry Variant Classification Scheme 2023. Collection method: clinical testing. Allele origin: germline.

Color Diagnostics, LLC DBA Color Health
Classification: Likely benign for Cardiomyopathy. Last evaluated: 2020-03-23. Review status: criteria provided, single submitter. Criteria: ACMG Guidelines, 2015. Collection method: clinical testing. Allele origin: germline.

GeneDx
Classification: Benign. Last evaluated: 2015-03-03. Review status: criteria provided, single submitter. Criteria: GeneDx Variant Classification Process June 2021. Collection method: clinical testing. Allele origin: germline. Affected: yes.

Laboratory for Molecular Medicine, Mass General Brigham Personalized Medicine
Classification: Likely benign. Last evaluated: 2014-11-20. Review status: criteria provided, single submitter. Criteria: LMM Criteria. Collection method: clinical testing. Allele origin: germline. Observed: 1 variant allele.
Comment: p.Pro1307Pro in exon 31 of RYR2: This variant is not expected to have clinical s ignificance because it does not alter an amino acid residue and is not located w ithin the splice consensus sequence. It has been identified in 2/8726 East Asian chromosomes by the Exome Aggregation Consortium (ExAC; dbSNP rs200406978).

NM_001035.3(RYR2):c.3921G>A (p.Pro1307=)

Genes: RYR2 (ryanodine receptor 2; plus strand), LOC126806067 (BRD4-independent group 4 enhancer GRCh37_chr1:237753258-237754457; plus strand). Cytogenetic location: 1q43.
Variant type: single nucleotide variant.
Coding change: c.3921G>A on transcript NM_001035.3 (MANE Select); coding-DNA position 3921, G replaced by A.
Protein change: p.Pro1307=; no amino-acid change (proline 1307 retained).
Molecular consequence: synonymous variant.
Genome position (GRCh38, 1-based): chr1:237,590,753, G>A. VCF-style: chr1-237590753-G-A. GRCh37 (hg19) VCF-style: chr1-237754053-G-A.
Identifiers: ClinVar variation 180093 (VCV000180093.24), dbSNP rs201469656, ClinGen allele CA009408.